The following is an entry in ClinVar:

NM_001291303.3(FAT4):c.13405G>A (p.Ala4469Thr)

Gene: FAT4 (FAT atypical cadherin 4; plus strand). Cytogenetic location: 4q28.1.
Variant type: single nucleotide variant.
Coding change: c.13405G>A on transcript NM_001291303.3 (MANE Select); coding-DNA position 13405, G replaced by A.
Protein change: p.Ala4469Thr; replaces alanine 4469 with threonine.
Molecular consequence: missense variant.
Genome position (GRCh38, 1-based): chr4:125,490,221, G>A. VCF-style: chr4-125490221-G-A. GRCh37 (hg19) VCF-style: chr4-126411376-G-A.
Other names: c.13402G>A, p.Ala4468Thr (NM_001291285.3); c.13399G>A, p.Ala4467Thr (NM_024582.6); short protein forms A4468T, A4469T, A4467T.
Identifiers: ClinVar variation 3684047 (VCV003684047.2).

ClinVar aggregate classification (germline): Uncertain significance (1 of 4 stars; one submission).

Submission:

Labcorp Genetics (formerly Invitae), Labcorp
Classification: Uncertain significance. Last evaluated: 2024-12-31. Review status: criteria provided, single submitter. Criteria: Invitae Variant Classification Sherloc (09022015). Collection method: clinical testing. Allele origin: germline.
Comment: This sequence change replaces alanine, which is neutral and non-polar, with threonine, which is neutral and polar, at codon 4467 of the FAT4 protein (p.Ala4467Thr). This variant is not present in population databases (gnomAD no frequency). This variant has not been reported in the literature in individuals affected with FAT4-related conditions. Invitae Evidence Modeling of protein sequence and biophysical properties (such as structural, functional, and spatial information, amino acid conservation, physicochemical variation, residue mobility, and thermodynamic stability) indicates that this missense variant is not expected to disrupt FAT4 protein function with a negative predictive value of 95%. In summary, the available evidence is currently insufficient to determine the role of this variant in disease. Therefore, it has been classified as a Variant of Uncertain Significance.